The following is an entry in ClinVar:

NM_022552.5(DNMT3A):c.2597+6C>T

Gene: DNMT3A (DNA methyltransferase 3 alpha; minus strand). Cytogenetic location: 2p23.3.
Variant type: single nucleotide variant.
Coding change: c.2597+6C>T on transcript NM_022552.5 (MANE Select); 6 bases into the intron after coding-DNA position 2597, C replaced by T.
Molecular consequence: intron variant.
Genome position (GRCh38, 1-based): chr2:25,235,701, G>A on the plus strand (C>T on the coding strand, the complement: DNMT3A is on the minus strand). VCF-style: chr2-25235701-G-A. GRCh37 (hg19) VCF-style: chr2-25458570-G-A.
Other names: c.2597+6C>T (NM_175629.2); c.2030+6C>T (NM_153759.3); c.2141+6C>T (NM_001320893.1); c.1928+6C>T (NM_001375819.1).
Identifiers: ClinVar variation 3351354 (VCV003351354.1).

ClinVar aggregate classification (germline): Likely benign (0 of 4 stars; one submission).

Conditions:
DNMT3A-related disorder. Also called: DNMT3A-related disorders; DNMT3A-related condition.

gnomAD v4.1: 53 of 1,610,634 alleles (0.0033%); highest among the groups gnomAD compares: South Asian, 0.0077%; no homozygotes.

Submission:

PreventionGenetics, part of Exact Sciences
Classification: Likely benign for DNMT3A-related condition. Last evaluated: 2022-01-19. Review status: no assertion criteria provided. Collection method: clinical testing. Allele origin: germline.
Comment: This variant is classified as likely benign based on ACMG/AMP sequence variant interpretation guidelines (Richards et al. 2015 PMID: 25741868, with internal and published modifications).